The following is an entry in ClinVar:

ClinVar aggregate classification (germline): Uncertain significance (1 of 4 stars; one submission).

Submission:

GeneDx
Classification: Uncertain significance. Last evaluated: 2018-01-11. Review status: criteria provided, single submitter. Criteria: GeneDx Variant Classification (06012015). Collection method: clinical testing. Allele origin: germline. Affected: yes.
Comment: The c.586_587delGCinsTT variant in the ADAT3 gene has not been reported previously as a pathogenic variant nor as a benign variant, to our knowledge. This variant causes an in-frame substitution of Alanine 196 with a Leucine residue, denoted p.Ala196Leu. The c.586_587delGCinsTT variant is not observed in large population cohorts (Lek et al., 2016). The c.586_587delGCinsTT variant is a semi-conservative amino acid substitution, which may impact secondary protein structure as these residues differ in some properties. In-silico analyses, including protein predictors and evolutionary conservation, support a deleterious effect. We interpret c.586_587delGCinsTT as a variant of uncertain significance.

NM_138422.4(ADAT3):c.586_587delinsTT (p.Ala196Leu)

Genes: ADAT3 (adenosine deaminase tRNA specific 3; plus strand), SCAMP4 (secretory carrier membrane protein 4; plus strand). Cytogenetic location: 19p13.3.
Variant type: Indel.
Coding change: c.586_587delinsTT on transcript NM_138422.4 (MANE Select); coding-DNA positions 586 to 587, GC replaced by TT.
Protein change: p.Ala196Leu; replaces alanine 196 with leucine.
Molecular consequence: missense variant. On other transcripts: intron variant (3).
Genome position (GRCh38, 1-based): chr19:1,912,633-1,912,634, GC replaced by TT. VCF-style: chr19-1912633-GC-TT. GRCh37 (hg19) VCF-style: chr19-1912632-GC-TT.
Other names: c.538_539delinsTT, p.Ala180Leu (NM_001329533.2); c.-41-2346_-41-2345delinsTT (NM_079834.4, NM_001329540.2); c.-125-5061_-125-5060delinsTT (NM_001329539.2); short protein forms A180L, A196L.
Identifiers: ClinVar variation 504106 (VCV000504106.2), dbSNP rs1555837867, ClinGen allele CA658799105.